The following is an entry in ClinVar:

ClinVar aggregate classification (germline): Uncertain significance (1 of 4 stars; one submission).

Allele frequency attached by ClinVar (database versions not stated): TOPMed below 0.00001; gnomAD 0.00001.
gnomAD v4.1: 1 of 1,613,986 alleles (0.000062%); highest among the groups gnomAD compares: Non-Finnish European, 0.000085%; no homozygotes.

Submission:

Labcorp Genetics (formerly Invitae), Labcorp
Classification: Uncertain significance. Last evaluated: 2021-11-26. Review status: criteria provided, single submitter. Criteria: Invitae Variant Classification Sherloc (09022015). Collection method: clinical testing. Allele origin: germline.
Comment: In summary, the available evidence is currently insufficient to determine the role of this variant in disease. Therefore, it has been classified as a Variant of Uncertain Significance. Algorithms developed to predict the effect of missense changes on protein structure and function are either unavailable or do not agree on the potential impact of this missense change (SIFT: "Deleterious"; PolyPhen-2: "Probably Damaging"; Align-GVGD: "Class C0"). This variant has not been reported in the literature in individuals affected with ERCC2-related conditions. This variant is present in population databases (no rsID available, gnomAD 0.007%). This sequence change replaces tyrosine, which is neutral and polar, with cysteine, which is neutral and slightly polar, at codon 59 of the ERCC2 protein (p.Tyr59Cys).

NM_000400.4(ERCC2):c.176A>G (p.Tyr59Cys)

Gene: ERCC2 (ERCC excision repair 2, TFIIH core complex helicase subunit; minus strand). Cytogenetic location: 19q13.32.
Variant type: single nucleotide variant.
Coding change: c.176A>G on transcript NM_000400.4 (MANE Select); coding-DNA position 176, A replaced by G.
Protein change: p.Tyr59Cys; replaces tyrosine 59 with cysteine.
Molecular consequence: missense variant.
Genome position (GRCh38, 1-based): chr19:45,369,077, T>C on the plus strand (A>G on the coding strand, the complement: ERCC2 is on the minus strand). VCF-style: chr19-45369077-T-C. GRCh37 (hg19) VCF-style: chr19-45872335-T-C.
Other names: c.104A>G, p.Tyr35Cys (NM_001130867.2); short protein forms Y59C, Y35C.
Identifiers: ClinVar variation 1467211 (VCV001467211.6), dbSNP rs1176128995, ClinGen allele CA406379409.